The following is an entry in ClinVar:

NM_015656.2(KIF26A):c.5168G>A (p.Arg1723His)

Gene: KIF26A (kinesin family member 26A; plus strand). Cytogenetic location: 14q32.33.
Variant type: single nucleotide variant.
Coding change: c.5168G>A on transcript NM_015656.2 (MANE Select); coding-DNA position 5168, G replaced by A.
Protein change: p.Arg1723His; replaces arginine 1723 with histidine.
Molecular consequence: missense variant.
Genome position (GRCh38, 1-based): chr14:104,178,607, G>A. VCF-style: chr14-104178607-G-A. GRCh37 (hg19) VCF-style: chr14-104644944-G-A.
Other names: short protein forms R1723H.
Identifiers: ClinVar variation 2367203 (VCV002367203.4), dbSNP rs778564134, ClinGen allele CA7371514.

ClinVar aggregate classification (germline): Uncertain significance. Review status: criteria provided, multiple submitters, no conflicts (2 of 4 stars). 2 submissions from 2 submitters: Uncertain significance (2). Last evaluated 2025-11-26.

Allele frequency attached by ClinVar (database versions not stated): gnomAD exomes 0.00010; TOPMed 0.00010; gnomAD 0.00008; ExAC 0.00009.
gnomAD v4.1: 144 of 1,545,710 alleles (0.0093%); highest among the groups gnomAD compares: Non-Finnish European, 0.012%; no homozygotes.

Submissions (2):

Ambry Genetics
Classification: Uncertain significance. Last evaluated: 2025-11-26. Review status: criteria provided, single submitter. Criteria: Ambry Variant Classification Scheme 2023. Collection method: clinical testing. Allele origin: germline.

GeneDx
Classification: Uncertain significance. Last evaluated: 2023-10-05. Review status: criteria provided, single submitter. Criteria: GeneDx Variant Classification Process June 2021. Collection method: clinical testing. Allele origin: germline. Affected: yes.
Comment: Has not been previously published as pathogenic or benign to our knowledge; Not observed at significant frequency in large population cohorts (gnomAD); In silico analysis supports that this missense variant has a deleterious effect on protein structure/function